The following is an entry in ClinVar:

NM_177438.3(DICER1):c.5409A>G (p.Glu1803=)

Gene: DICER1 (dicer 1, ribonuclease III; minus strand). Cytogenetic location: 14q32.13.
Variant type: single nucleotide variant.
Coding change: c.5409A>G on transcript NM_177438.3 (MANE Select); coding-DNA position 5409, A replaced by G.
Protein change: p.Glu1803=; no amino-acid change (glutamic acid 1803 retained).
Molecular consequence: synonymous variant. On other transcripts: intron variant (1).
Genome position (GRCh38, 1-based): chr14:95,091,321, T>C on the plus strand (A>G on the coding strand, the complement: DICER1 is on the minus strand). VCF-style: chr14-95091321-T-C. GRCh37 (hg19) VCF-style: chr14-95557658-T-C.
Other names: c.5409A>G, p.Glu1803= (NM_001271282.3, NM_001291628.2, NM_030621.4); c.5365-212A>G (NM_001195573.1).
Identifiers: ClinVar variation 417094 (VCV000417094.15), dbSNP rs1060504977, ClinGen allele CA16614277.

ClinVar aggregate classification (germline): Conflicting classifications of pathogenicity. Review status: criteria provided, conflicting classifications (1 of 4 stars). 3 submissions from 3 submitters: Uncertain significance (1); Benign (1); Likely benign (1). Last evaluated 2026-08-19.

Conditions:
DICER1-related tumor predisposition. Also called: DICER1-related pleuropulmonary blastoma cancer predisposition syndrome; DICER1 syndrome. Identifiers: Orphanet 284343, MedGen C3839822, MONDO:0100216.
Hereditary cancer-predisposing syndrome. Also called: Hereditary Cancer Syndrome; Hereditary neoplastic syndrome; Neoplastic Syndromes, Hereditary; Tumor predisposition. Identifiers: Orphanet 140162, MedGen C0027672, MeSH D009386, MONDO:0015356.

Allele frequency attached by ClinVar (database versions not stated): gnomAD exomes below 0.00001.
gnomAD v4.1: 1 of 1,614,168 alleles (0.000062%); highest among the groups gnomAD compares: Non-Finnish European, 0.000085%; no homozygotes.

Submissions (3):

Myriad Genetics, Inc.
Classification: Benign for DICER1-related tumor predisposition. Last evaluated: 2026-08-19. Review status: criteria provided, single submitter. Criteria: Myriad Autosomal Dominant, Autosomal Recessive and X-Linked Classification Criteria (2023). Collection method: clinical testing. Allele origin: unknown.
Comment: This variant is considered benign. This variant is a silent/synonymous amino acid change and it is not expected to impact splicing.

Labcorp Genetics (formerly Invitae), Labcorp
Classification: Likely benign for DICER1-related tumor predisposition. Last evaluated: 2025-12-24. Review status: criteria provided, single submitter. Criteria: Invitae Variant Classification Sherloc (09022015). Collection method: clinical testing. Allele origin: germline.

Ambry Genetics
Classification: Uncertain significance for Hereditary cancer-predisposing syndrome. Last evaluated: 2025-12-12. Review status: criteria provided, single submitter. Criteria: Ambry Variant Classification Scheme 2023. Collection method: clinical testing. Allele origin: germline.
Comment: The c.5409A>G variant (also known as p.E1803E), located in coding exon 24 of the DICER1 gene, results from an A to G substitution at nucleotide position 5409. This nucleotide substitution does not change the amino acid at codon 1803. This nucleotide position is well conserved in available vertebrate species. In silico splice site analysis predicts that this alteration will not have any significant effect on splicing. RNA studies have demonstrated that this alteration results in an incomplete splice defect; the clinical impact of this abnormal splicing is unknown at this time (Ambry internal data). Based on the available evidence, the clinical significance of this variant remains unclear.